The following is an entry in ClinVar:

NM_005529.7(HSPG2):c.10498G>A (p.Val3500Met)

Gene: HSPG2 (heparan sulfate proteoglycan 2; minus strand). Cytogenetic location: 1p36.12.
Variant type: single nucleotide variant.
Coding change: c.10498G>A on transcript NM_005529.7 (MANE Select); coding-DNA position 10498, G replaced by A.
Protein change: p.Val3500Met; replaces valine 3500 with methionine.
Molecular consequence: missense variant.
Genome position (GRCh38, 1-based): chr1:21,834,901, C>T on the plus strand (G>A on the coding strand, the complement: HSPG2 is on the minus strand). VCF-style: chr1-21834901-C-T. GRCh37 (hg19) VCF-style: chr1-22161394-C-T.
Other names: c.10501G>A, p.Val3501Met (NM_001291860.2); short protein forms V3500M, V3501M.
Identifiers: ClinVar variation 198669 (VCV000198669.59), dbSNP rs143543800, ClinGen allele CA203550.

ClinVar aggregate classification (germline): Benign/Likely benign. Review status: criteria provided, multiple submitters, no conflicts (2 of 4 stars). 15 submissions from 14 submitters: Benign (7); Likely benign (5). 3 of the submissions do not count toward it. Last evaluated 2026-02-01.

Conditions:
Connective tissue disorder. Also called: Connective tissue disease. Identifiers: MedGen C0009782, MONDO:0003900.
Schwartz-Jampel syndrome type 1 (SJS1). Also called: CHONDRODYSTROPHIC MYOTONIA; MYOTONIC MYOPATHY, DWARFISM, CHONDRODYSTROPHY, AND OCULAR AND FACIAL ABNORMALITIES. Identifiers: MedGen C4551479, MONDO:0100435, OMIM 255800.
Lethal Kniest-like syndrome (DDSH). Also called: Dyssegmental Dysplasia. Identifiers: Orphanet 1865, MedGen C1857100, MONDO:0009140, OMIM 224410.
HSPG2-related disorder. Also called: HSPG2-related condition; HSPG2-related disorders.
Schwartz-Jampel syndrome. Also called: Myotonic myopathy dwarfism chondrodystrophy and ocular and facial abnormalities. Identifiers: Orphanet 800, MedGen C0036391, MONDO:0009717.

Allele frequency attached by ClinVar (database versions not stated): 1000 Genomes Project 30x 0.00156; 1000 Genomes Project 0.00160; ESP Exome Variant Server 0.00300; gnomAD 0.00313 and 0.00314; TOPMed 0.00362; ExAC 0.00460; gnomAD exomes 0.00466.
gnomAD v4.1: 5,961 of 1,613,400 alleles (0.37%); highest among the groups gnomAD compares: Middle Eastern, 0.69%; 27 homozygotes.

Submissions (15):

CeGaT Center for Human Genetics Tuebingen
Classification: Likely benign. Last evaluated: 2026-02-01. Review status: criteria provided, single submitter. Criteria: CeGaT Center For Human Genetics Tuebingen Variant Classification Criteria Version 2. Collection method: clinical testing. Allele origin: germline. Affected: yes. Observed: 5 variant alleles.
Comment: HSPG2: BS2

Labcorp Genetics (formerly Invitae), Labcorp
Classification: Benign. Last evaluated: 2026-02-01. Review status: criteria provided, single submitter. Criteria: Invitae Variant Classification Sherloc (09022015). Collection method: clinical testing. Allele origin: germline.

ARUP Laboratories, Molecular Genetics and Genomics, ARUP Laboratories
Classification: Benign. Last evaluated: 2023-10-20. Review status: criteria provided, single submitter. Criteria: ARUP Molecular Germline Variant Investigation Process 2024. Collection method: clinical testing. Allele origin: germline.

Fulgent Genetics
Classification: Likely benign for Lethal Kniest-like syndrome; Schwartz-Jampel syndrome type 1. Last evaluated: 2021-12-28. Review status: criteria provided, single submitter. Criteria: ACMG Guidelines, 2015. Collection method: clinical testing. Allele origin: unknown.

Genome Diagnostics Laboratory, The Hospital for Sick Children
Classification: Likely benign for Connective tissue disorder. Last evaluated: 2020-11-27. Review status: criteria provided, single submitter. Criteria: ACMG Guidelines, 2015. Collection method: clinical testing. Allele origin: germline.

Athena Diagnostics
Classification: Benign. Last evaluated: 2019-11-18. Review status: criteria provided, single submitter. Criteria: Athena Diagnostics Criteria. Collection method: clinical testing. Allele origin: unknown.

Mendelics
Classification: Likely benign for Schwartz-Jampel syndrome type 1. Last evaluated: 2019-05-28. Review status: criteria provided, single submitter. Criteria: Mendelics Assertion Criteria 2017. Collection method: clinical testing. Allele origin: unknown.

GeneDx
Classification: Benign. Last evaluated: 2018-10-29. Review status: criteria provided, single submitter. Criteria: GeneDx Variant Classification Process June 2021. Collection method: clinical testing. Allele origin: germline. Affected: yes.

Illumina Laboratory Services, Illumina
Classification: Benign for Schwartz-Jampel syndrome type 1. Last evaluated: 2017-04-27. Review status: criteria provided, single submitter. Criteria: ICSL Variant Classification Criteria 13 December 2019. Collection method: clinical testing. Allele origin: germline.
Comment: This variant was observed as part of a predisposition screen in an ostensibly healthy population. A literature search was performed for the gene, cDNA change, and amino acid change (where applicable). Publications were found based on this search. The evidence from the literature, in combination with allele frequency data from public databases where available, was sufficient to rule this variant out of causing disease. Therefore, this variant is classified as benign.

Illumina Laboratory Services, Illumina
Classification: Benign for Lethal Kniest-like syndrome. Last evaluated: 2017-04-27. Review status: criteria provided, single submitter. Criteria: ICSL Variant Classification Criteria 13 December 2019. Collection method: clinical testing. Allele origin: germline.
Comment: the same text as in the submission from Illumina Laboratory Services, Illumina above.

Eurofins Ntd Llc (ga)
Classification: Benign. Last evaluated: 2015-02-11. Review status: criteria provided, single submitter. Criteria: EGL Classification Definitions 2015. Collection method: clinical testing. Allele origin: germline. Observed: 1 variant allele, 1 heterozygote.

Breakthrough Genomics
Classification: Likely benign. Review status: criteria provided, single submitter. Criteria: ACMG Guidelines, 2015. Collection method: not provided. Allele origin: germline. Inheritance: Autosomal recessive inheritance. Affected: yes.

PreventionGenetics, part of Exact Sciences
Classification: Benign for HSPG2-related condition. Last evaluated: 2019-03-01. Review status: no assertion criteria provided. Collection method: clinical testing. Allele origin: germline. Not counted in ClinVar's aggregate classification.
Comment: This variant is classified as benign based on ACMG/AMP sequence variant interpretation guidelines (Richards et al. 2015 PMID: 25741868, with internal and published modifications).

Clinical Genetics DNA and cytogenetics Diagnostics Lab, Erasmus MC, Erasmus Medical Center
Classification: Benign. Review status: no assertion criteria provided. Collection method: clinical testing. Allele origin: germline. Affected: yes. Study: VKGL Data-share Consensus. Not counted in ClinVar's aggregate classification.

Laboratory of Diagnostic Genome Analysis, Leiden University Medical Center (LUMC)
Classification: Likely benign. Review status: no assertion criteria provided. Collection method: clinical testing. Allele origin: germline. Affected: yes. Study: VKGL Data-share Consensus. Not counted in ClinVar's aggregate classification.

Literature cited by the submitters: PubMed 25504735 (cited by Athena Diagnostics and Illumina Laboratory Services, Illumina).